The following is an entry in ClinVar:

NM_014444.5(TUBGCP4):c.1111G>A (p.Ala371Thr)

Gene: TUBGCP4 (tubulin gamma complex component 4; plus strand). Cytogenetic location: 15q15.3.
Variant type: single nucleotide variant.
Coding change: c.1111G>A on transcript NM_014444.5 (MANE Select); coding-DNA position 1111, G replaced by A.
Protein change: p.Ala371Thr; replaces alanine 371 with threonine.
Molecular consequence: missense variant.
Genome position (GRCh38, 1-based): chr15:43,395,628, G>A. VCF-style: chr15-43395628-G-A. GRCh37 (hg19) VCF-style: chr15-43687826-G-A.
Other names: c.1111G>A, p.Ala371Thr (NM_001286414.3); short protein forms A371T.
Identifiers: ClinVar variation 1373806 (VCV001373806.8), dbSNP rs2044568243, ClinGen allele CA392129406.
Genomic context (GRCh38, chr15:43,395,628, plus strand): 5'-AAATTCTTTCCTCAGATCATTAAAGACTTTTACCTTCTGGGACGTGGAGAACTGTTTCAG[G>A]CCTTCATTGACACAGCTCAACACATGTTGAAAACACCACCCACTGCAGTAACTGAGCATG-3'
Protein context (NP_055259.2, residues 361-381): YLLGRGELFQ[Ala371Thr]FIDTAQHMLK

ClinVar aggregate classification (germline): Uncertain significance (1 of 4 stars; one submission).

Submission:

Labcorp Genetics (formerly Invitae), Labcorp
Classification: Uncertain significance. Last evaluated: 2022-07-12. Review status: criteria provided, single submitter. Criteria: Invitae Variant Classification Sherloc (09022015). Collection method: clinical testing. Allele origin: germline.
Comment: This sequence change replaces alanine, which is neutral and non-polar, with threonine, which is neutral and polar, at codon 371 of the TUBGCP4 protein (p.Ala371Thr). This variant is not present in population databases (gnomAD no frequency). This variant has not been reported in the literature in individuals affected with TUBGCP4-related conditions. ClinVar contains an entry for this variant (Variation ID: 1373806). Algorithms developed to predict the effect of missense changes on protein structure and function are either unavailable or do not agree on the potential impact of this missense change (SIFT: "Deleterious"; PolyPhen-2: "Benign"; Align-GVGD: "Class C0"). In summary, the available evidence is currently insufficient to determine the role of this variant in disease. Therefore, it has been classified as a Variant of Uncertain Significance.